The following is an entry in ClinVar:

ClinVar aggregate classification (germline): Uncertain significance (1 of 4 stars; one submission).

gnomAD v4.1: 1 of 1,614,040 alleles (0.000062%); highest among the groups gnomAD compares: South Asian, 0.0011%; no homozygotes.

Submission:

Labcorp Genetics (formerly Invitae), Labcorp
Classification: Uncertain significance. Last evaluated: 2024-05-09. Review status: criteria provided, single submitter. Criteria: Invitae Variant Classification Sherloc (09022015). Collection method: clinical testing. Allele origin: germline.
Comment: This sequence change replaces proline, which is neutral and non-polar, with alanine, which is neutral and non-polar, at codon 1359 of the FN1 protein (p.Pro1359Ala). This variant is present in population databases (no rsID available, gnomAD 0.003%). This variant has not been reported in the literature in individuals affected with FN1-related conditions. An algorithm developed to predict the effect of missense changes on protein structure and function (PolyPhen-2) suggests that this variant is likely to be disruptive. In summary, the available evidence is currently insufficient to determine the role of this variant in disease. Therefore, it has been classified as a Variant of Uncertain Significance.

NM_212482.4(FN1):c.4075C>G (p.Pro1359Ala)

Genes: FN1 (fibronectin 1; minus strand), LOC126806497 (BRD4-independent group 4 enhancer GRCh37_chr2:216255920-216257119; plus strand). Cytogenetic location: 2q35.
Variant type: single nucleotide variant.
Coding change: c.4075C>G on transcript NM_212482.4 (MANE Select); coding-DNA position 4075, C replaced by G.
Protein change: p.Pro1359Ala; replaces proline 1359 with alanine.
Molecular consequence: missense variant.
Genome position (GRCh38, 1-based): chr2:215,391,809, G>C on the plus strand (C>G on the coding strand, the complement: FN1 is on the minus strand). VCF-style: chr2-215391809-G-C. GRCh37 (hg19) VCF-style: chr2-216256532-G-C.
Other names: c.4075C>G, p.Pro1359Ala (NM_001306129.2, NM_001306130.2, NM_001365517.2 and 3 more transcripts); c.3802C>G, p.Pro1268Ala (NM_001306131.2, NM_001306132.2, NM_001365518.2 and 7 more transcripts); short protein forms P1359A, P1268A.
Identifiers: ClinVar variation 3670592 (VCV003670592.2).